The following is an entry in ClinVar:

ClinVar aggregate classification (germline): Conflicting classifications of pathogenicity. Review status: criteria provided, conflicting classifications (1 of 4 stars). 3 submissions from 3 submitters: Uncertain significance (1); Likely benign (2). Last evaluated 2024-07-14.

Conditions:
Pyruvate kinase deficiency of red cells (CNSHA2). Also called: Pyruvate kinase deficiency, Amish type; PK DEFICIENCY; PYRUVATE KINASE DEFICIENCY OF ERYTHROCYTE. Identifiers: Orphanet 766, MedGen C0340968, MONDO:0009950, OMIM 266200.

Allele frequency attached by ClinVar (database versions not stated): gnomAD 0.00166; TOPMed 0.00221; 1000 Genomes Project 0.00280; 1000 Genomes Project 30x 0.00328.
gnomAD v4.1: 671 of 1,522,114 alleles (0.044%); highest among the groups gnomAD compares: African/African-American, 0.71%; 3 homozygotes.

Submissions (3):

Blueprint Genetics
Classification: Likely benign. Last evaluated: 2024-07-14. Review status: criteria provided, single submitter. Criteria: ACMG Guidelines, 2015. Collection method: clinical testing. Allele origin: germline.

Mayo Clinic Laboratories, Mayo Clinic
Classification: Likely benign. Last evaluated: 2024-04-02. Review status: criteria provided, single submitter. Criteria: ACMG Guidelines, 2015. Collection method: clinical testing. Allele origin: germline. Observed: 5 variant alleles.
Comment: BP4, BP7

Illumina Laboratory Services, Illumina
Classification: Uncertain significance for Pyruvate kinase deficiency of red cells. Last evaluated: 2018-01-12. Review status: criteria provided, single submitter. Criteria: ICSL Variant Classification Criteria 13 December 2019. Collection method: clinical testing. Allele origin: germline.

NM_000298.6(PKLR):c.*14C>T

Gene: PKLR (pyruvate kinase L/R; minus strand). Cytogenetic location: 1q22.
Variant type: single nucleotide variant.
Coding change: c.*14C>T on transcript NM_000298.6 (MANE Select); 14 bases downstream of the stop codon, C replaced by T.
Molecular consequence: 3 prime UTR variant.
Genome position (GRCh38, 1-based): chr1:155,290,558, G>A on the plus strand (C>T on the coding strand, the complement: PKLR is on the minus strand). VCF-style: chr1-155290558-G-A. GRCh37 (hg19) VCF-style: chr1-155260349-G-A.
Other names: c.*14C>T (LRG_1136t1, NM_181871.4).
Identifiers: ClinVar variation 292803 (VCV000292803.7), dbSNP rs8177994, ClinGen allele CA1143909.
Genomic context (GRCh38, chr1:155,290,558, plus strand): 5'-GGGCTGGAGAACGTAGACTGGGGAGGAAGGGATGGGGTACAAGGGTAGGCTGGGCCAGAG[G>A]AGGGAGGGGCGTCTCAGGATATGCTTAGCACCCGCATGATGTTGGTGTAGCCGGAGCCAG-3'